The following is an entry in ClinVar:

ClinVar aggregate classification (germline): Conflicting classifications of pathogenicity. Review status: criteria provided, conflicting classifications (1 of 4 stars). 2 submissions from 2 submitters: Uncertain significance (1); Likely benign (1). Last evaluated 2023-12-11.

Conditions:
Dyskeratosis congenita. Identifiers: Orphanet 1775, MedGen C0265965, MONDO:0015780.
Idiopathic Pulmonary Fibrosis. Also called: Idiopathic fibrosing alveolitis, chronic form; idiopathic fibrosing alveolitis. Identifiers: Orphanet 2032, MedGen C1800706, MeSH D054990, MONDO:0800504.
Dyskeratosis congenita, autosomal dominant 2. Identifiers: MedGen C3151443, MONDO:0013521, OMIM 613989.

Submissions (2):

Labcorp Genetics (formerly Invitae), Labcorp
Classification: Uncertain significance for Dyskeratosis congenita, autosomal dominant 2; Idiopathic Pulmonary Fibrosis. Last evaluated: 2023-12-11. Review status: criteria provided, single submitter. Criteria: Invitae Variant Classification Sherloc (09022015). Collection method: clinical testing. Allele origin: germline.
Comment: This sequence change replaces serine, which is neutral and polar, with cysteine, which is neutral and slightly polar, at codon 1104 of the TERT protein (p.Ser1104Cys). This variant is not present in population databases (gnomAD no frequency). This variant has not been reported in the literature in individuals affected with TERT-related conditions. ClinVar contains an entry for this variant (Variation ID: 648659). Advanced modeling of protein sequence and biophysical properties (such as structural, functional, and spatial information, amino acid conservation, physicochemical variation, residue mobility, and thermodynamic stability) performed at Invitae indicates that this missense variant is not expected to disrupt TERT protein function with a negative predictive value of 95%. In summary, the available evidence is currently insufficient to determine the role of this variant in disease. Therefore, it has been classified as a Variant of Uncertain Significance.

Ambry Genetics
Classification: Likely benign for Dyskeratosis congenita. Last evaluated: 2022-05-13. Review status: criteria provided, single submitter. Criteria: Ambry Variant Classification Scheme 2023. Collection method: clinical testing. Allele origin: germline.

NM_198253.3(TERT):c.3310A>T (p.Ser1104Cys)

Gene: TERT (telomerase reverse transcriptase; minus strand). Cytogenetic location: 5p15.33.
Variant type: single nucleotide variant.
Coding change: c.3310A>T on transcript NM_198253.3 (MANE Select); coding-DNA position 3310, A replaced by T.
Protein change: p.Ser1104Cys; replaces serine 1104 with cysteine.
Molecular consequence: missense variant. On other transcripts: non-coding transcript variant (2).
Genome position (GRCh38, 1-based): chr5:1,253,817, T>A on the plus strand (A>T on the coding strand, the complement: TERT is on the minus strand). VCF-style: chr5-1253817-T-A. GRCh37 (hg19) VCF-style: chr5-1253932-T-A.
Other names: c.3121A>T, p.Ser1041Cys (NM_001193376.3); short protein forms S1041C, S1104C.
Identifiers: ClinVar variation 648659 (VCV000648659.11), dbSNP rs1579541768, ClinGen allele CA359066865.